The following is an entry in ClinVar:

NM_030665.4(RAI1):c.893A>G (p.His298Arg)

Gene: RAI1 (retinoic acid induced 1; plus strand). Cytogenetic location: 17p11.2.
Variant type: single nucleotide variant.
Coding change: c.893A>G on transcript NM_030665.4 (MANE Select); coding-DNA position 893, A replaced by G.
Protein change: p.His298Arg; replaces histidine 298 with arginine.
Molecular consequence: missense variant.
Genome position (GRCh38, 1-based): chr17:17,793,841, A>G. VCF-style: chr17-17793841-A-G. GRCh37 (hg19) VCF-style: chr17-17697155-A-G.
Other names: short protein forms H298R.
Identifiers: ClinVar variation 3347221 (VCV003347221.3).

ClinVar aggregate classification (germline): Uncertain significance. Review status: criteria provided, single submitter (1 of 4 stars). 2 submissions from 2 submitters: Uncertain significance (1). 1 of the submissions does not count toward it. Last evaluated 2024-07-16.

Conditions:
RAI1-related disorder. Also called: RAI1-related condition.

Submissions (2):

Labcorp Genetics (formerly Invitae), Labcorp
Classification: Uncertain significance. Last evaluated: 2024-07-16. Review status: criteria provided, single submitter. Criteria: Invitae Variant Classification Sherloc (09022015). Collection method: clinical testing. Allele origin: germline.
Comment: This sequence change replaces histidine, which is basic and polar, with arginine, which is basic and polar, at codon 298 of the RAI1 protein (p.His298Arg). This variant is not present in population databases (gnomAD no frequency). This variant has not been reported in the literature in individuals affected with RAI1-related conditions. Advanced modeling of protein sequence and biophysical properties (such as structural, functional, and spatial information, amino acid conservation, physicochemical variation, residue mobility, and thermodynamic stability) performed at Invitae indicates that this missense variant is expected to disrupt RAI1 protein function with a positive predictive value of 80%. In summary, the available evidence is currently insufficient to determine the role of this variant in disease. Therefore, it has been classified as a Variant of Uncertain Significance.

PreventionGenetics, part of Exact Sciences
Classification: Uncertain significance for RAI1-related condition. Last evaluated: 2024-08-07. Review status: no assertion criteria provided. Collection method: clinical testing. Allele origin: germline. Not counted in ClinVar's aggregate classification.
Comment: The RAI1 c.893A>G variant is predicted to result in the amino acid substitution p.His298Arg. To our knowledge, this variant has not been reported in the literature or in gnomAD, indicating this variant is rare. At this time, the clinical significance of this variant is uncertain due to the absence of conclusive functional and genetic evidence.